The following is an entry in ClinVar:

ClinVar aggregate classification (germline): Uncertain significance (1 of 4 stars; one submission).

Allele frequency attached by ClinVar (database versions not stated): gnomAD exomes below 0.00001.
gnomAD v4.1: 1 of 1,614,196 alleles (0.000062%); highest among the groups gnomAD compares: African/African-American, 0.0013%; no homozygotes.

Submission:

Labcorp Genetics (formerly Invitae), Labcorp
Classification: Uncertain significance. Last evaluated: 2022-04-20. Review status: criteria provided, single submitter. Criteria: Invitae Variant Classification Sherloc (09022015). Collection method: clinical testing. Allele origin: germline.
Comment: In summary, the available evidence is currently insufficient to determine the role of this variant in disease. Therefore, it has been classified as a Variant of Uncertain Significance. Algorithms developed to predict the effect of missense changes on protein structure and function are either unavailable or do not agree on the potential impact of this missense change (SIFT: "Deleterious"; PolyPhen-2: "Possibly Damaging"; Align-GVGD: "Class C0"). This variant has not been reported in the literature in individuals affected with DNAH9-related conditions. This variant is not present in population databases (gnomAD no frequency). This sequence change replaces phenylalanine, which is neutral and non-polar, with cysteine, which is neutral and slightly polar, at codon 4256 of the DNAH9 protein (p.Phe4256Cys).

NM_001372.4(DNAH9):c.12767T>G (p.Phe4256Cys)

Gene: DNAH9 (dynein axonemal heavy chain 9; plus strand). Cytogenetic location: 17p12.
Variant type: single nucleotide variant.
Coding change: c.12767T>G on transcript NM_001372.4 (MANE Select); coding-DNA position 12767, T replaced by G.
Protein change: p.Phe4256Cys; replaces phenylalanine 4256 with cysteine.
Molecular consequence: missense variant.
Genome position (GRCh38, 1-based): chr17:11,942,409, T>G. VCF-style: chr17-11942409-T-G. GRCh37 (hg19) VCF-style: chr17-11845726-T-G.
Other names: c.1703T>G, p.Phe568Cys (NM_004662.2); short protein forms F568C, F4256C.
Identifiers: ClinVar variation 2128544 (VCV002128544.4), dbSNP rs527329501, ClinGen allele CA288022426.